The following is an entry in ClinVar:

NM_000038.6(APC):c.1500T>C (p.Tyr500=)

Gene: APC (APC regulator of Wnt signaling pathway; plus strand). Cytogenetic location: 5q22.2.
Variant type: single nucleotide variant.
Coding change: c.1500T>C on transcript NM_000038.6 (MANE Select); coding-DNA position 1500, T replaced by C.
Protein change: p.Tyr500=; no amino-acid change (tyrosine 500 retained).
Molecular consequence: synonymous variant.
Genome position (GRCh38, 1-based): chr5:112,827,199, T>C. VCF-style: chr5-112827199-T-C. GRCh37 (hg19) VCF-style: chr5-112162896-T-C.
Other names: c.1500T>C, p.Tyr500= (NM_001127510.3, NM_001354895.2); c.1446T>C, p.Tyr482= (NM_001127511.3); c.1554T>C, p.Tyr518= (NM_001354896.2); c.1530T>C, p.Tyr510= (NM_001354897.2); c.1425T>C, p.Tyr475= (NM_001354898.2); c.1416T>C, p.Tyr472= (NM_001354899.2); c.1377T>C, p.Tyr459= (NM_001354900.2); c.1323T>C, p.Tyr441= (NM_001354901.2); and 5 more.
Identifiers: ClinVar variation 185576 (VCV000185576.21), dbSNP rs387906230, ClinGen allele CA005238.

ClinVar aggregate classification (germline): Benign/Likely benign. Review status: criteria provided, multiple submitters, no conflicts (2 of 4 stars). 7 submissions from 7 submitters: Benign (2); Likely benign (5). Last evaluated 2025-05-04.

Conditions:
Classic or attenuated familial adenomatous polyposis. Identifiers: MedGen CN372698, MONDO:0021057.
Hereditary cancer-predisposing syndrome. Also called: Hereditary neoplastic syndrome; Neoplastic Syndromes, Hereditary; Tumor predisposition; Hereditary Cancer Syndrome. Identifiers: Orphanet 140162, MedGen C0027672, MeSH D009386, MONDO:0015356.
Familial adenomatous polyposis 1 (FAP1). Also called: FAMILIAL ADENOMATOUS POLYPOSIS 1, ATTENUATED; POLYPOSIS, ADENOMATOUS INTESTINAL. Identifiers: MedGen C2713442, MONDO:0021056, OMIM 175100. Disease mechanism: loss of function.

Allele frequency attached by ClinVar (database versions not stated): gnomAD exomes below 0.00001.

Submissions (7):

Labcorp Genetics (formerly Invitae), Labcorp
Classification: Likely benign for Familial adenomatous polyposis 1. Last evaluated: 2025-05-04. Review status: criteria provided, single submitter. Criteria: Invitae Variant Classification Sherloc (09022015). Collection method: clinical testing. Allele origin: germline.

KCCC/NGS Laboratory, Kuwait Cancer Control Center
Classification: Benign for Familial adenomatous polyposis 1. Last evaluated: 2025-02-01. Review status: criteria provided, single submitter. Criteria: ACMG Guidelines, 2015. Collection method: clinical testing. Allele origin: germline. Affected: no.

Myriad Genetics, Inc.
Classification: Benign for Familial adenomatous polyposis 1. Last evaluated: 2024-03-04. Review status: criteria provided, single submitter. Criteria: Myriad Autosomal Dominant, Autosomal Recessive and X-Linked Classification Criteria (2023). Collection method: clinical testing. Allele origin: unknown.
Comment: This variant is considered benign. This variant is a silent/synonymous amino acid change and it is not expected to impact splicing.

All of Us Research Program, National Institutes of Health
Classification: Likely benign for Classic or attenuated familial adenomatous polyposis. Last evaluated: 2022-11-30. Review status: criteria provided, single submitter. Criteria: ACMG Guidelines, 2015. Collection method: clinical testing. Allele origin: germline. Inheritance: Autosomal dominant inheritance. Observed: 1 variant allele, 1 heterozygote.
Comment: This study involves interpretation of variants in research participants for the purpose of population health screening. Participant phenotype was not available at the time of variant classification. Additional details can be found in publication PMID: 35346344, PMCID: PMC8962531

Sema4
Classification: Likely benign for Hereditary cancer-predisposing syndrome. Last evaluated: 2021-12-01. Review status: criteria provided, single submitter. Criteria: Sema4 Curation Guidelines. Collection method: curation. Allele origin: germline.

Color Diagnostics, LLC DBA Color Health
Classification: Likely benign for Hereditary cancer-predisposing syndrome. Last evaluated: 2017-11-06. Review status: criteria provided, single submitter. Criteria: ACMG Guidelines, 2015. Collection method: clinical testing. Allele origin: germline.

Ambry Genetics
Classification: Likely benign for Hereditary cancer-predisposing syndrome. Last evaluated: 2014-07-01. Review status: criteria provided, single submitter. Criteria: Ambry Variant Classification Scheme 2023. Collection method: clinical testing. Allele origin: germline.